The following is an entry in ClinVar:

ClinVar aggregate classification (germline): Pathogenic (1 of 4 stars; one submission).

Submission:

Institute of Human Genetics, FAU Erlangen, Friedrich-Alexander-Universität Erlangen-Nürnberg
Classification: Pathogenic. Last evaluated: 2024-11-20. Review status: criteria provided, single submitter. Criteria: Hauer et al. (Genet Med. 2018). Collection method: clinical testing. Allele origin: germline. Inheritance: Autosomal dominant inheritance. Affected: yes. Observed: 1 variant allele.
Comment: This variant has been identified by standard clinical testing. Selected ACMG criteria: Pathogenic (I):PM2;PS2;PVS1

NM_007118.4(TRIO):c.6941_6942dup (p.Ser2315fs)

Gene: TRIO (trio Rho guanine nucleotide exchange factor; plus strand). Cytogenetic location: 5p15.2.
Variant type: Duplication.
Coding change: c.6941_6942dup on transcript NM_007118.4 (MANE Select); coding-DNA positions 6941 to 6942, 2 bases duplicated (CC; older notation c.6941_6942dupCC).
Protein change: p.Ser2315fs; shifts the reading frame from serine 2315.
Molecular consequence: frameshift variant. On other transcripts: non-coding transcript variant (1).
Genome position (GRCh38, 1-based): chr5:14,487,569-14,487,570, CC duplicated; duplicating any 2 consecutive bases within chr5:14,487,566-14,487,570 gives the same sequence; the c. name uses the placement nearest the transcript's 3' end. VCF-style (leftmost placement, unchanged base first): chr5-14487565-G-GCC. GRCh37 (hg19) VCF-style: chr5-14487674-G-GCC.
Other names: c.6938_6942C[7] (NM_007118.4); short protein forms S2315fs.
Identifiers: ClinVar variation 3377824 (VCV003377824.1).